The following is an entry in ClinVar:

ClinVar aggregate classification (germline): Likely benign. Review status: criteria provided, multiple submitters, no conflicts (2 of 4 stars). 2 submissions from 2 submitters: Likely benign (2). Last evaluated 2026-06-01.

Allele frequency attached by ClinVar (database versions not stated): gnomAD 0.00001; ExAC 0.00003; TOPMed 0.00003; ESP Exome Variant Server 0.00008.
gnomAD v4.1: 26 of 1,613,042 alleles (0.0016%); highest among the groups gnomAD compares: South Asian, 0.0077%; no homozygotes.

Submissions (2):

CeGaT Center for Human Genetics Tuebingen
Classification: Likely benign. Last evaluated: 2026-06-01. Review status: criteria provided, single submitter. Criteria: CeGaT Center For Human Genetics Tuebingen Variant Classification Criteria Version 2. Collection method: clinical testing. Allele origin: germline. Affected: yes. Observed: 1 variant allele.
Comment: PCDH12: BP4, BP7

Labcorp Genetics (formerly Invitae), Labcorp
Classification: Likely benign. Last evaluated: 2023-12-11. Review status: criteria provided, single submitter. Criteria: Invitae Variant Classification Sherloc (09022015). Collection method: clinical testing. Allele origin: germline.

NM_016580.4(PCDH12):c.441C>T (p.Ser147=)

Genes: PCDH12 (protocadherin 12; minus strand), RNF14 (ring finger protein 14; plus strand). Cytogenetic location: 5q31.3.
Variant type: single nucleotide variant.
Coding change: c.441C>T on transcript NM_016580.4 (MANE Select); coding-DNA position 441, C replaced by T.
Protein change: p.Ser147=; no amino-acid change (serine 147 retained).
Molecular consequence: synonymous variant.
Genome position (GRCh38, 1-based): chr5:141,957,411, G>A on the plus strand (C>T on the coding strand, the complement: PCDH12 is on the minus strand). VCF-style: chr5-141957411-G-A. GRCh37 (hg19) VCF-style: chr5-141336976-G-A.
Identifiers: ClinVar variation 2060988 (VCV002060988.6), dbSNP rs372293517, ClinGen allele CA3484559.